The following is an entry in ClinVar:

NM_001122630.2(CDKN1C):c.515C>T (p.Ala172Val)

Gene: CDKN1C (cyclin dependent kinase inhibitor 1C; minus strand). Cytogenetic location: 11p15.4.
Variant type: single nucleotide variant.
Coding change: c.515C>T on transcript NM_001122630.2 (MANE Select); coding-DNA position 515, C replaced by T.
Protein change: p.Ala172Val; replaces alanine 172 with valine.
Molecular consequence: missense variant. On other transcripts: intron variant (1).
Genome position (GRCh38, 1-based): chr11:2,884,942, G>A on the plus strand (C>T on the coding strand, the complement: CDKN1C is on the minus strand). VCF-style: chr11-2884942-G-A. GRCh37 (hg19) VCF-style: chr11-2906172-G-A.
Other names: c.548C>T, p.Ala183Val (NM_000076.2, NM_001362474.2); c.515C>T, p.Ala172Val (NM_001122631.2); c.255+260C>T (NM_001362475.2); short protein forms A183V, A172V.
Identifiers: ClinVar variation 1404287 (VCV001404287.8), dbSNP rs1163195873, ClinGen allele CA379146485.
Genomic context (GRCh38, chr11:2,884,942, plus strand): 5'-GCCGGGGCTGGGGCCGGGGCCGCGACTGGAGCCGGGGCCGGAGCCGGAGCCGGAGCCGGG[G>A]CCGGGGCCGGGGCCAGGACCGCGACCGCGACCGGAGCCGCGACCGGAGCCGCGACCGGAG-3'
Protein context (NP_001116102.1, residues 162-182): VAVAVLAPAP[Ala172Val]PAPAPAPAPA

ClinVar aggregate classification (germline): Uncertain significance (1 of 4 stars; one submission).

Conditions:
Beckwith-Wiedemann syndrome (BWS). Also called: EMG SYNDROME; Exomphalos macroglossia gigantism syndrome. Identifiers: Orphanet 116, MedGen C0004903, MONDO:0007534, OMIM 130650.

Allele frequency attached by ClinVar (database versions not stated): TOPMed below 0.00001.
gnomAD v4.1: 3 of 974,414 alleles (0.00031%); highest among the groups gnomAD compares: Non-Finnish European, 0.00038%; no homozygotes.

Submission:

Labcorp Genetics (formerly Invitae), Labcorp
Classification: Uncertain significance for Beckwith-Wiedemann syndrome. Last evaluated: 2023-08-01. Review status: criteria provided, single submitter. Criteria: Invitae Variant Classification Sherloc (09022015). Collection method: clinical testing. Allele origin: germline.
Comment: ClinVar contains an entry for this variant (Variation ID: 1404287). In summary, the available evidence is currently insufficient to determine the role of this variant in disease. Therefore, it has been classified as a Variant of Uncertain Significance. Advanced modeling of protein sequence and biophysical properties (such as structural, functional, and spatial information, amino acid conservation, physicochemical variation, residue mobility, and thermodynamic stability) performed at Invitae indicates that this missense variant is not expected to disrupt CDKN1C protein function. This variant has not been reported in the literature in individuals affected with CDKN1C-related conditions. The frequency data for this variant in the population databases is considered unreliable, as metrics indicate insufficient coverage at this position in the gnomAD database. This sequence change replaces alanine, which is neutral and non-polar, with valine, which is neutral and non-polar, at codon 183 of the CDKN1C protein (p.Ala183Val).